The following is an entry in ClinVar:

ClinVar aggregate classification (germline): Uncertain significance. Review status: criteria provided, multiple submitters, no conflicts (2 of 4 stars). 2 submissions from 2 submitters: Uncertain significance (2). Last evaluated 2025-03-15.

Conditions:
Hereditary cancer-predisposing syndrome. Also called: Hereditary neoplastic syndrome; Tumor predisposition; Neoplastic Syndromes, Hereditary; Hereditary Cancer Syndrome. Identifiers: Orphanet 140162, MedGen C0027672, MeSH D009386, MONDO:0015356.
Retinoblastoma (RB1). Also called: RETINOBLASTOMA, SOMATIC. Identifiers: Orphanet 790, MedGen C0035335, MeSH D012175, MONDO:0008380, OMIM 180200, HP:0009919. Disease mechanism: loss of function. Inheritance: Both sporadic and heritable forms are tested..

Submissions (2):

Ambry Genetics
Classification: Uncertain significance for Hereditary cancer-predisposing syndrome. Last evaluated: 2025-03-15. Review status: criteria provided, single submitter. Criteria: Ambry Variant Classification Scheme 2023. Collection method: clinical testing. Allele origin: germline.
Comment: The p.V622I variant (also known as c.1864G>A), located in coding exon 19 of the RB1 gene, results from a G to A substitution at nucleotide position 1864. The valine at codon 622 is replaced by isoleucine, an amino acid with highly similar properties. This amino acid position is conserved. In addition, this alteration is predicted to be tolerated by in silico analysis. Since supporting evidence is limited at this time, the clinical significance of this alteration remains unclear.

Labcorp Genetics (formerly Invitae), Labcorp
Classification: Uncertain significance for Retinoblastoma. Last evaluated: 2024-10-27. Review status: criteria provided, single submitter. Criteria: Invitae Variant Classification Sherloc (09022015). Collection method: clinical testing. Allele origin: germline.
Comment: This sequence change replaces valine, which is neutral and non-polar, with isoleucine, which is neutral and non-polar, at codon 622 of the RB1 protein (p.Val622Ile). This variant is not present in population databases (gnomAD no frequency). This variant has not been reported in the literature in individuals affected with RB1-related conditions. ClinVar contains an entry for this variant (Variation ID: 1502389). Invitae Evidence Modeling of protein sequence and biophysical properties (such as structural, functional, and spatial information, amino acid conservation, physicochemical variation, residue mobility, and thermodynamic stability) indicates that this missense variant is not expected to disrupt RB1 protein function with a negative predictive value of 80%. In summary, the available evidence is currently insufficient to determine the role of this variant in disease. Therefore, it has been classified as a Variant of Uncertain Significance.

NM_000321.3(RB1):c.1864G>A (p.Val622Ile)

Gene: RB1 (RB transcriptional corepressor 1; plus strand). Cytogenetic location: 13q14.2.
Variant type: single nucleotide variant.
Coding change: c.1864G>A on transcript NM_000321.3 (MANE Select); coding-DNA position 1864, G replaced by A.
Protein change: p.Val622Ile; replaces valine 622 with isoleucine.
Molecular consequence: missense variant.
Genome position (GRCh38, 1-based): chr13:48,456,253, G>A. VCF-style: chr13-48456253-G-A. GRCh37 (hg19) VCF-style: chr13-49030389-G-A.
Other names: c.1864G>A (NM_000321.2); short protein forms V622I.
Identifiers: ClinVar variation 1502389 (VCV001502389.10), dbSNP rs2138331204, ClinGen allele CA388165781.